The following is an entry in ClinVar:

ClinVar aggregate classification (germline): Uncertain significance (1 of 4 stars; one submission).

Conditions:
Hereditary cancer-predisposing syndrome. Also called: Tumor predisposition; Neoplastic Syndromes, Hereditary; Hereditary neoplastic syndrome; Hereditary Cancer Syndrome. Identifiers: Orphanet 140162, MedGen C0027672, MeSH D009386, MONDO:0015356.

Submission:

Ambry Genetics
Classification: Uncertain significance for Hereditary cancer-predisposing syndrome. Last evaluated: 2024-08-03. Review status: criteria provided, single submitter. Criteria: Ambry Variant Classification Scheme 2023. Collection method: clinical testing. Allele origin: germline.
Comment: The p.P6L variant (also known as c.17C>T), located in coding exon 1 of the SMARCA4 gene, results from a C to T substitution at nucleotide position 17. The proline at codon 6 is replaced by leucine, an amino acid with similar properties. This amino acid position is conserved. In addition, the in silico prediction for this alteration is inconclusive. Based on the available evidence, the clinical significance of this variant remains unclear.

NM_003072.5(SMARCA4):c.17C>T (p.Pro6Leu)

Gene: SMARCA4 (SWI/SNF related BAF chromatin remodeling complex subunit ATPase 4; plus strand). Cytogenetic location: 19p13.2.
Variant type: single nucleotide variant.
Coding change: c.17C>T on transcript NM_003072.5 (MANE Select); coding-DNA position 17, C replaced by T.
Protein change: p.Pro6Leu; replaces proline 6 with leucine.
Molecular consequence: missense variant. On other transcripts: non-coding transcript variant (1).
Genome position (GRCh38, 1-based): chr19:10,984,168, C>T. VCF-style: chr19-10984168-C-T. GRCh37 (hg19) VCF-style: chr19-11094844-C-T.
Other names: c.17C>T, p.Pro6Leu (NM_001128844.3, NM_001128845.2, NM_001128846.2 and 6 more transcripts); short protein forms P6L.
Identifiers: ClinVar variation 3445984 (VCV003445984.1).